The following is an entry in ClinVar:

NM_001966.4(EHHADH):c.1056A>G (p.Gln352=)

Gene: EHHADH (enoyl-CoA hydratase and 3-hydroxyacyl CoA dehydrogenase; minus strand). Cytogenetic location: 3q27.2.
Variant type: single nucleotide variant.
Coding change: c.1056A>G on transcript NM_001966.4 (MANE Select); coding-DNA position 1056, A replaced by G.
Protein change: p.Gln352=; no amino-acid change (glutamine 352 retained).
Molecular consequence: synonymous variant.
Genome position (GRCh38, 1-based): chr3:185,193,342, T>C on the plus strand (A>G on the coding strand, the complement: EHHADH is on the minus strand). VCF-style: chr3-185193342-T-C. GRCh37 (hg19) VCF-style: chr3-184911130-T-C.
Other names: c.768A>G, p.Gln256= (NM_001166415.2).
Identifiers: ClinVar variation 3056157 (VCV003056157.2), dbSNP rs767752731, ClinGen allele CA2739048.

ClinVar aggregate classification (germline): Likely benign (0 of 4 stars; one submission).

Conditions:
EHHADH-related disorder. Also called: EHHADH-related condition.

Allele frequency attached by ClinVar (database versions not stated): gnomAD 0.00001; TOPMed 0.00001; gnomAD exomes 0.00002; ExAC 0.00006.
gnomAD v4.1: 34 of 1,613,912 alleles (0.0021%); highest among the groups gnomAD compares: Middle Eastern, 0.033%; no homozygotes.

Submission:

PreventionGenetics, part of Exact Sciences
Classification: Likely benign for EHHADH-related condition. Last evaluated: 2022-09-15. Review status: no assertion criteria provided. Collection method: clinical testing. Allele origin: germline.
Comment: This variant is classified as likely benign based on ACMG/AMP sequence variant interpretation guidelines (Richards et al. 2015 PMID: 25741868, with internal and published modifications).